The following is an entry in ClinVar:

ClinVar aggregate classification (germline): Uncertain significance (1 of 4 stars; one submission).

Conditions:
Paget disease of bone 2, early-onset (PDB2). Also called: Paget disease of bone 2. Identifiers: MedGen C4085251, MONDO:0011183, OMIM 602080.
Frontotemporal dementia and/or amyotrophic lateral sclerosis 1 (FTDALS1). Also called: C9orf72 Frontotemporal Dementia and/or Amyotrophic Lateral Sclerosis; Frontotemporal dementia with motor neuron disease 1. Identifiers: Orphanet 275872, MedGen C5779877, MONDO:0007105, OMIM 105550.

Allele frequency attached by ClinVar (database versions not stated): ExAC 0.00001.
gnomAD v4.1: 2 of 1,613,924 alleles (0.00012%); highest among the groups gnomAD compares: Non-Finnish European, 0.00017%; no homozygotes.

Submission:

Labcorp Genetics (formerly Invitae), Labcorp
Classification: Uncertain significance for Paget disease of bone 2, early-onset; Frontotemporal dementia and/or amyotrophic lateral sclerosis 1. Last evaluated: 2025-05-28. Review status: criteria provided, single submitter. Criteria: Invitae Variant Classification Sherloc (09022015). Collection method: clinical testing. Allele origin: germline.
Comment: This sequence change replaces alanine, which is neutral and non-polar, with threonine, which is neutral and polar, at codon 167 of the SQSTM1 protein (p.Ala167Thr). This variant is present in population databases (rs755537361, gnomAD 0.003%). This variant has not been reported in the literature in individuals affected with SQSTM1-related conditions. ClinVar contains an entry for this variant (Variation ID: 2931033). Invitae Evidence Modeling of protein sequence and biophysical properties (such as structural, functional, and spatial information, amino acid conservation, physicochemical variation, residue mobility, and thermodynamic stability) indicates that this missense variant is not expected to disrupt SQSTM1 protein function with a negative predictive value of 80%. In summary, the available evidence is currently insufficient to determine the role of this variant in disease. Therefore, it has been classified as a Variant of Uncertain Significance.

NM_003900.5(SQSTM1):c.499G>A (p.Ala167Thr)

Gene: SQSTM1 (sequestosome 1; plus strand). Cytogenetic location: 5q35.3.
Variant type: single nucleotide variant.
Coding change: c.499G>A on transcript NM_003900.5 (MANE Select); coding-DNA position 499, G replaced by A.
Protein change: p.Ala167Thr; replaces alanine 167 with threonine.
Molecular consequence: missense variant.
Genome position (GRCh38, 1-based): chr5:179,824,055, G>A. VCF-style: chr5-179824055-G-A. GRCh37 (hg19) VCF-style: chr5-179251055-G-A.
Other names: c.247G>A, p.Ala83Thr (NM_001142298.2, NM_001142299.2); short protein forms A167T, A83T.
Identifiers: ClinVar variation 2931033 (VCV002931033.3), dbSNP rs755537361, ClinGen allele CA3600526.